The following is an entry in ClinVar:

NM_017739.4(POMGNT1):c.1212-2A>G

Genes: POMGNT1 (protein O-linked mannose N-acetylglucosaminyltransferase 1 (beta 1,2-); minus strand), TSPAN1 (tetraspanin 1; plus strand). Cytogenetic location: 1p34.1.
Variant type: single nucleotide variant.
Coding change: c.1212-2A>G on transcript NM_017739.4 (MANE Select); the canonical splice acceptor site of the intron before coding-DNA position 1212, A replaced by G.
Molecular consequence: splice acceptor variant.
Genome position (GRCh38, 1-based): chr1:46,192,592, T>C on the plus strand (A>G on the coding strand, the complement: POMGNT1 is on the minus strand). VCF-style: chr1-46192592-T-C. GRCh37 (hg19) VCF-style: chr1-46658264-T-C.
Other names: c.1212-2A>G (NM_001243766.2, NM_001438686.1, NM_001438688.1 and 3 more transcripts); c.1146-2A>G (NM_001290129.3, NM_001438691.1, NM_001438692.1); c.783-2A>G (NM_001290130.2).
Identifiers: ClinVar variation 4815897 (VCV004815897.1).

ClinVar aggregate classification (germline): Likely pathogenic (1 of 4 stars; one submission).

Conditions:
Muscle eye brain disease (MEB). Also called: Santavuori congenital muscular dystrophy. Identifiers: Orphanet 588, Orphanet 899, MedGen C0457133, MONDO:0018939.

Submission:

Natera, Inc.
Classification: Likely pathogenic for Muscle-eye-brain disease. Last evaluated: 2025-06-23. Review status: criteria provided, single submitter. Criteria: Natera Variant Classification Schema (03/2026). Collection method: clinical testing. Allele origin: germline.
Comment: The c.1212-2A>G variant in POMGNT1 is a canonical splice acceptor site variant predicted to affect pre-mRNA splicing, which may result in an abnormal transcript and altered protein product. This variant is expected to result in nonsense mediated decay, truncation, or a dysfunctional protein product. This variant is rare in the general population with a frequency below the threshold expected for the associated phenotype(s). Given the available evidence, this variant is classified as Likely Pathogenic.